The following is an entry in ClinVar:

NM_001099274.3(TINF2):c.494_502del (p.Pro165_Ala167del)

Gene: TINF2 (TERF1 interacting nuclear factor 2; minus strand). Cytogenetic location: 14q12.
Variant type: Deletion.
Coding change: c.494_502del on transcript NM_001099274.3 (MANE Select); coding-DNA positions 494 to 502, 9 bases deleted (CGCAGGCAC; older notation c.494_502delCGCAGGCAC).
Protein change: p.Pro165_Ala167del.
Molecular consequence: inframe deletion.
Genome position (GRCh38, 1-based): chr14:24,241,209-24,241,217, GTGCCTGCG deleted on the plus strand (CGCAGGCAC on the coding strand, the reverse complement: TINF2 is on the minus strand); deleting any 9 consecutive bases within chr14:24,241,209-24,241,220 gives the same sequence; the c. name uses the placement nearest the transcript's 3' end. VCF-style (leftmost placement, unchanged base first): chr14-24241208-TGTGCCTGCG-T. GRCh37 (hg19) VCF-style: chr14-24710414-TGTGCCTGCG-T.
Other names: c.389_397del, p.Pro130_Ala132del (NM_001363668.2); c.494_502del, p.Pro165_Ala167del (NM_012461.3).
Identifiers: ClinVar variation 992554 (VCV000992554.3), dbSNP rs747496593, ClinGen allele CA7130646.

ClinVar aggregate classification (germline): Uncertain significance (1 of 4 stars; one submission).

Conditions:
Revesz syndrome. Also called: DYSKERATOSIS CONGENITA, AUTOSOMAL DOMINANT 5; EXUDATIVE RETINOPATHY WITH BONE MARROW FAILURE. Identifiers: Orphanet 3088, MedGen C1327916, MONDO:0009990, OMIM 268130.
Dyskeratosis congenita, autosomal dominant 3. Identifiers: MedGen C3151445, MONDO:0013522, OMIM 613990.

Submission:

Center for Genomics, Ann and Robert H. Lurie Children's Hospital of Chicago
Classification: Uncertain significance for Dyskeratosis congenita, autosomal dominant 3; Revesz syndrome. Review status: criteria provided, single submitter. Criteria: ACMG Guidelines, 2015. Collection method: clinical testing. Allele origin: germline.
Comment: TINF2 NM_001099274.1 exon 4 p.Pro165_Ala167del (c.494_502del): This variant has not been reported in the literature but is present in 0.006% (1/15486) of African alleles in the Genome Aggregation Database. Evolutionary conservation and computational predictive tools for this variant are limited or unavailable. This variant represents an in-frame deletion of 3 amino acids at position 165 and is not predicted to alter the reading frame. However, the effect of this variant on the protein is unclear. In summary, data on this variant is insufficient for disease classification. Therefore, the clinical significance of this variant is uncertain.